The following is an entry in ClinVar:

NM_000503.6(EYA1):c.1545T>G (p.Tyr515Ter)

Gene: EYA1 (EYA transcriptional coactivator and phosphatase 1; minus strand). Cytogenetic location: 8q13.3.
Variant type: single nucleotide variant.
Coding change: c.1545T>G on transcript NM_000503.6 (MANE Select); coding-DNA position 1545, T replaced by G.
Protein change: p.Tyr515Ter; replaces tyrosine 515 with a stop codon.
Molecular consequence: nonsense.
Genome position (GRCh38, 1-based): chr8:71,215,439, A>C on the plus strand (T>G on the coding strand, the complement: EYA1 is on the minus strand). VCF-style: chr8-71215439-A-C. GRCh37 (hg19) VCF-style: chr8-72127674-A-C.
Other names: c.1527T>G, p.Tyr509Ter (NM_001288574.2, NM_172059.5); c.1179T>G, p.Tyr393Ter (NM_001288575.2); c.1632T>G, p.Tyr544Ter (NM_001370333.1); c.1545T>G, p.Tyr515Ter (NM_001370334.1, NM_001370335.1, NM_172058.4); c.1524T>G, p.Tyr508Ter (NM_001370336.1); c.1446T>G, p.Tyr482Ter (NM_001411797.1, NM_172060.4); short protein forms Y393*, Y482*, Y508*, Y509*, Y515*, Y544*.
Identifiers: ClinVar variation 2681781 (VCV002681781.2), dbSNP rs2537274776.
Genomic context (GRCh38, chr8:71,215,439, plus strand): 5'-CAGCTCACCTATTTTAGTTGCACTGTAAATATTTTCTATTGGAAATACAATTCCTAACCC[A>C]TACAGCAGGACTTTCGCCAATGCTGGGATGAGCTGAGTAGTTGTTACTAAAATATTCACA-3'

ClinVar aggregate classification (germline): Pathogenic (1 of 4 stars; one submission).

Conditions:
Branchiootic syndrome 1 (BOS1). Also called: BO SYNDROME 1; BRANCHIOOTIC DYSPLASIA. Identifiers: MedGen C1865143, MONDO:0011258, OMIM 602588.

Submission:

Precision Medicine Center, Zhengzhou University
Classification: Pathogenic for Branchiootic syndrome 1. Last evaluated: 2023-12-01. Review status: criteria provided, single submitter. Criteria: ACMG Guidelines, 2015. Collection method: clinical testing. Allele origin: de novo. Affected: yes.
Comment: PVS1,PS2,PM2_p